The following is an entry in ClinVar:

NM_001625.4(AK2):c.196G>A (p.Ala66Thr)

Gene: AK2 (adenylate kinase 2; minus strand). Cytogenetic location: 1p35.1.
Variant type: single nucleotide variant.
Coding change: c.196G>A on transcript NM_001625.4 (MANE Select); coding-DNA position 196, G replaced by A.
Protein change: p.Ala66Thr; replaces alanine 66 with threonine.
Molecular consequence: missense variant. On other transcripts: non-coding transcript variant (1), intron variant (1).
Genome position (GRCh38, 1-based): chr1:33,024,465, C>T on the plus strand (G>A on the coding strand, the complement: AK2 is on the minus strand). VCF-style: chr1-33024465-C-T. GRCh37 (hg19) VCF-style: chr1-33490066-C-T.
Other names: c.196G>A, p.Ala66Thr (NM_001199199.3, NM_001319141.3, NM_001319143.2 and 1 more transcripts); c.52G>A, p.Ala18Thr (NM_001319139.3, NM_001319140.2); c.94-2762G>A (NM_001319142.3); short protein forms A18T, A66T.
Identifiers: ClinVar variation 2110369 (VCV002110369.4), dbSNP rs1639748121, ClinGen allele CA339702784.

ClinVar aggregate classification (germline): Uncertain significance (1 of 4 stars; one submission).

Conditions:
Reticular dysgenesis. Also called: ALEUKOCYTOSIS; CONGENITAL ALEUKIA; HEMATOPOIETIC HYPOPLASIA, GENERALIZED; RETICULAR DYSGENESIA; SEVERE COMBINED IMMUNODEFICIENCY WITH LEUKOPENIA; DeVaal disease. Identifiers: Orphanet 33355, MedGen C0272167, MONDO:0009973, OMIM 267500.

Allele frequency attached by ClinVar (database versions not stated): gnomAD exomes below 0.00001.
gnomAD v4.1: 1 of 1,614,204 alleles (0.000062%); highest among the groups gnomAD compares: Non-Finnish European, 0.000085%; no homozygotes.

Submission:

Labcorp Genetics (formerly Invitae), Labcorp
Classification: Uncertain significance for Reticular dysgenesis. Last evaluated: 2022-03-12. Review status: criteria provided, single submitter. Criteria: Invitae Variant Classification Sherloc (09022015). Collection method: clinical testing. Allele origin: germline.
Comment: This sequence change replaces alanine, which is neutral and non-polar, with threonine, which is neutral and polar, at codon 66 of the AK2 protein (p.Ala66Thr). This variant is not present in population databases (gnomAD no frequency). This variant has not been reported in the literature in individuals affected with AK2-related conditions. Algorithms developed to predict the effect of missense changes on protein structure and function (SIFT, PolyPhen-2, Align-GVGD) all suggest that this variant is likely to be tolerated. In summary, the available evidence is currently insufficient to determine the role of this variant in disease. Therefore, it has been classified as a Variant of Uncertain Significance.